The following is an entry in ClinVar:

ClinVar aggregate classification (germline): Uncertain significance (1 of 4 stars; one submission).

gnomAD v4.1: 1 of 1,613,692 alleles (0.000062%); highest among the groups gnomAD compares: Admixed American, 0.0017%; no homozygotes.

Submission:

Ambry Genetics
Classification: Uncertain significance. Last evaluated: 2025-08-02. Review status: criteria provided, single submitter. Criteria: Ambry Variant Classification Scheme 2023. Collection method: clinical testing. Allele origin: germline.
Comment: The p.S559R variant (also known as c.1675A>C), located in coding exon 8 of the ATRIP gene, results from an A to C substitution at nucleotide position 1675. The serine at codon 559 is replaced by arginine, an amino acid with dissimilar properties. This amino acid position is conserved. In addition, this alteration is predicted to be tolerated by in silico analysis. Based on the available evidence, the clinical significance of this variant remains unclear.

NM_130384.3(ATRIP):c.1675A>C (p.Ser559Arg)

Genes: ATRIP (ATR interacting protein; plus strand), ATRIP-TREX1 (ATRIP-TREX1 readthrough; plus strand). Cytogenetic location: 3p21.31.
Variant type: single nucleotide variant.
Coding change: c.1675A>C on transcript NM_130384.3 (MANE Select); coding-DNA position 1675, A replaced by C.
Protein change: p.Ser559Arg; replaces serine 559 with arginine.
Molecular consequence: missense variant. On other transcripts: non-coding transcript variant (1).
Genome position (GRCh38, 1-based): chr3:48,460,729, A>C. VCF-style: chr3-48460729-A-C. GRCh37 (hg19) VCF-style: chr3-48502128-A-C.
Other names: c.1294A>C, p.Ser432Arg (NM_001271022.2); c.1396A>C, p.Ser466Arg (NM_001271023.2); c.1675A>C, p.Ser559Arg (NM_032166.4); short protein forms S432R, S466R, S559R.
Identifiers: ClinVar variation 4182338 (VCV004182338.1).